The following is an entry in ClinVar:

ClinVar aggregate classification (germline): Likely benign (0 of 4 stars; one submission).

Conditions:
AFG2B-related disorder. Also called: AFG2B-related condition.

Allele frequency attached by ClinVar (database versions not stated): gnomAD exomes 0.00013; TOPMed 0.00015; ESP Exome Variant Server 0.00016; gnomAD 0.00018; 1000 Genomes Project 30x 0.00031; ExAC 0.00064.
gnomAD v4.1: 229 of 1,590,550 alleles (0.014%); highest among the groups gnomAD compares: Middle Eastern, 0.15%; 1 homozygote.

Submission:

PreventionGenetics, part of Exact Sciences
Classification: Likely benign for AFG2B-related condition. Last evaluated: 2022-02-24. Review status: no assertion criteria provided. Collection method: clinical testing. Allele origin: germline.
Comment: This variant is classified as likely benign based on ACMG/AMP sequence variant interpretation guidelines (Richards et al. 2015 PMID: 25741868, with internal and published modifications).

NM_024063.3(AFG2B):c.120C>T (p.Gly40=)

Genes: AFG2B (AFG2 AAA ATPase homolog B; plus strand), LOC130056997 (ATAC-STARR-seq lymphoblastoid silent region 6407; plus strand). Cytogenetic location: 15q21.1.
Variant type: single nucleotide variant.
Coding change: c.120C>T on transcript NM_024063.3 (MANE Select); coding-DNA position 120, C replaced by T.
Protein change: p.Gly40=; no amino-acid change (glycine 40 retained).
Molecular consequence: synonymous variant. On other transcripts: non-coding transcript variant (5).
Genome position (GRCh38, 1-based): chr15:45,402,549, C>T. VCF-style: chr15-45402549-C-T. GRCh37 (hg19) VCF-style: chr15-45694747-C-T.
Other names: c.120C>T, p.Gly40= (NM_001323640.2).
Identifiers: ClinVar variation 3042678 (VCV003042678.2), dbSNP rs375506384, ClinGen allele CA7543087.
Genomic context (GRCh38, chr15:45,402,549, plus strand): 5'-CGCTAGAGACCGGGGCACCCAGCGCTGCCGCCTGGGCCCGGCCGCCCTCCACGCCCTGGG[C>T]GCGCGCTTGGGCTCGGCAGTGAAGATCTCGCTACCCGACGGCGGCTCCTGCCTCTGCACT-3'
Protein context (NP_076968.2, residues 30-50): RLGPAALHAL[Gly40=]ARLGSAVKIS